The following is an entry in ClinVar:

ClinVar aggregate classification (germline): Benign. Review status: criteria provided, single submitter (1 of 4 stars). 2 submissions from 2 submitters: Benign (1). 1 of the submissions does not count toward it. Last evaluated 2024-06-28.

Conditions:
CDKL5 disorder. Identifiers: MedGen CN296942, MONDO:0100039.

Allele frequency attached by ClinVar (database versions not stated): 1000 Genomes Project 0.00132; gnomAD 0.00326 and 0.00316; TOPMed 0.00327; 1000 Genomes Project 30x 0.00125.

Submissions (2):

Centre for Population Genomics, CPG
Classification: Benign for CDKL5 disorder. Last evaluated: 2024-06-28. Review status: criteria provided, single submitter. Criteria: McKnight et al. (Hum Mutat. 2022). Collection method: curation. Allele origin: germline. Inheritance: X-linked inheritance.
Comment: This variant has been collected from RettBASE and curated to current modified ACMG/AMP criteria. Based on the classification scheme defined by the ClinGen Rett/Angelman-like Expert Panel for Rett/AS-like Disorders Specifications to the ACMG/AMP Variant Interpretation Guidelines VCEP 3.0, this variant is classified as benign. At least the following criteria are met: The allele frequency of this variant in at least one population in gnomAD v3 is higher than the 0.03% threshold defined by the ClinGen Rett/Angelman-like Expert Panel for Rett/AS-like Disorders VCEP 3.0 (BA1).

RettBASE
Classification: Benign. Last evaluated: 2014-05-09. Review status: no assertion criteria provided. Collection method: curation. Allele origin: unknown. Observed: 6 variant alleles. Not counted in ClinVar's aggregate classification.
Comment: Found in normal population

Literature cited by the submitters: PubMed 22867051 (cited by RettBASE).

NM_003159.2(CDKL5):c.-426C>G

Genes: CDKL5 (cyclin dependent kinase like 5; plus strand), LOC121853052 (Sharpr-MPRA regulatory region 2020; plus strand). Cytogenetic location: Xp22.13.
Variant type: single nucleotide variant.
Coding change: c.-426C>G on transcript NM_003159.2; 426 bases upstream of the start codon, C replaced by G.
Genome position (GRCh38, 1-based): chrX:18,425,432, C>G. VCF-style: chrX-18425432-C-G. GRCh37 (hg19) VCF-style: chrX-18443552-C-G.
Identifiers: ClinVar variation 189539 (VCV000189539.6), dbSNP rs184407021, ClinGen allele CA199349.
Genomic context (GRCh38, chrX:18,425,432, plus strand): 5'-TAAGGAACCAGCGTTCTTCGGCTTCGGAGACTCGAGCACGAGCGGCGCGAGCCCGAACCC[C>G]AGGACAAGCGCTTCCTCCTCATTGGCTCCTACCAGAAGGGGGCGGGGTAAAGGCGGGATC-3'